The following is an entry in ClinVar:

NM_016011.5(MECR):c.760A>T (p.Met254Leu)

Gene: MECR (mitochondrial trans-2-enoyl-CoA reductase; minus strand). Cytogenetic location: 1p35.3.
Variant type: single nucleotide variant.
Coding change: c.760A>T on transcript NM_016011.5 (MANE Select); coding-DNA position 760, A replaced by T.
Protein change: p.Met254Leu; replaces methionine 254 with leucine.
Molecular consequence: missense variant. On other transcripts: non-coding transcript variant (4).
Genome position (GRCh38, 1-based): chr1:29,200,586, T>A on the plus strand (A>T on the coding strand, the complement: MECR is on the minus strand). VCF-style: chr1-29200586-T-A. GRCh37 (hg19) VCF-style: chr1-29527098-T-A.
Other names: c.532A>T, p.Met178Leu (NM_001024732.4, NM_001349711.2, NM_001349712.2 and 2 more transcripts); c.865A>T, p.Met289Leu (NM_001349715.2); c.844A>T, p.Met282Leu (NM_001349716.2); c.610A>T, p.Met204Leu (NM_001349717.2); short protein forms M204L, M178L, M254L, M282L, M289L.
Identifiers: ClinVar variation 2041642 (VCV002041642.4), dbSNP rs2522380450, ClinGen allele CA339540367.

ClinVar aggregate classification (germline): Uncertain significance (1 of 4 stars; one submission).

Submission:

Labcorp Genetics (formerly Invitae), Labcorp
Classification: Uncertain significance. Last evaluated: 2022-04-12. Review status: criteria provided, single submitter. Criteria: Invitae Variant Classification Sherloc (09022015). Collection method: clinical testing. Allele origin: germline.
Comment: In summary, the available evidence is currently insufficient to determine the role of this variant in disease. Therefore, it has been classified as a Variant of Uncertain Significance. Algorithms developed to predict the effect of missense changes on protein structure and function output the following: SIFT: "Tolerated"; PolyPhen-2: "Benign"; Align-GVGD: "Class C0". The leucine amino acid residue is found in multiple mammalian species, which suggests that this missense change does not adversely affect protein function. This variant has not been reported in the literature in individuals affected with MECR-related conditions. This variant is not present in population databases (gnomAD no frequency). This sequence change replaces methionine, which is neutral and non-polar, with leucine, which is neutral and non-polar, at codon 254 of the MECR protein (p.Met254Leu).